The following is an entry in ClinVar:

NM_000206.3(IL2RG):c.1028G>C (p.Gly343Ala)

Gene: IL2RG (interleukin 2 receptor subunit gamma; minus strand). Cytogenetic location: Xq13.1.
Variant type: single nucleotide variant.
Coding change: c.1028G>C on transcript NM_000206.3 (MANE Select); coding-DNA position 1028, G replaced by C.
Protein change: p.Gly343Ala; replaces glycine 343 with alanine.
Molecular consequence: missense variant. On other transcripts: 3 prime UTR variant (1).
Genome position (GRCh38, 1-based): chrX:71,107,818, C>G on the plus strand (G>C on the coding strand, the complement: IL2RG is on the minus strand). VCF-style: chrX-71107818-C-G. GRCh37 (hg19) VCF-style: chrX-70327668-C-G.
Other names: c.*148G>C (NM_001438870.1); short protein forms G343A.
Identifiers: ClinVar variation 4995422 (VCV004995422.1).

ClinVar aggregate classification (germline): Uncertain significance (1 of 4 stars; one submission).

Conditions:
IL2RG-related disorder. Also called: IL2RG-related condition.

Submission:

PreventionGenetics, part of Exact Sciences
Classification: Uncertain significance for IL2RG-related condition. Last evaluated: 2026-09-25. Review status: criteria provided, single submitter. Criteria: ACMG Guidelines, 2015. Collection method: clinical testing. Allele origin: germline.
Comment: The IL2RG c.1028G>C variant is predicted to result in the amino acid substitution p.Gly343Ala. To our knowledge, this variant has not been reported in the literature or in a large population database (gnomAD), indicating this variant is rare. At this time, the clinical significance of this variant is uncertain due to the absence of conclusive functional and genetic evidence.